The following is an entry in ClinVar:

NM_001372.4(DNAH9):c.10347C>T (p.Ser3449=)

Genes: DNAH9 (dynein axonemal heavy chain 9; plus strand), LOC101928350 (uncharacterized LOC101928350; minus strand). Cytogenetic location: 17p12.
Variant type: single nucleotide variant.
Coding change: c.10347C>T on transcript NM_001372.4 (MANE Select); coding-DNA position 10347, C replaced by T.
Protein change: p.Ser3449=; no amino-acid change (serine 3449 retained).
Molecular consequence: synonymous variant. On other transcripts: non-coding transcript variant (1).
Genome position (GRCh38, 1-based): chr17:11,875,053, C>T. VCF-style: chr17-11875053-C-T. GRCh37 (hg19) VCF-style: chr17-11778370-C-T.
Other names: c.10347C>T (NM_001372.3).
Identifiers: ClinVar variation 2906365 (VCV002906365.4), dbSNP rs748957242, ClinGen allele CA8397485.

ClinVar aggregate classification (germline): Likely benign. Review status: criteria provided, multiple submitters, no conflicts (2 of 4 stars). 2 submissions from 2 submitters: Likely benign (2). Last evaluated 2026-07-14.

Conditions:
DNAH9-related disorder. Also called: DNAH9-related condition.

Allele frequency attached by ClinVar (database versions not stated): gnomAD 0.00001; TOPMed 0.00002.
gnomAD v4.1: 38 of 1,613,978 alleles (0.0024%); highest among the groups gnomAD compares: East Asian, 0.0045%; no homozygotes.

Submissions (2):

PreventionGenetics, part of Exact Sciences
Classification: Likely benign for DNAH9-related condition. Last evaluated: 2026-07-14. Review status: criteria provided, single submitter. Criteria: ACMG Guidelines, 2015. Collection method: clinical testing. Allele origin: germline.
Comment: This variant is classified as likely benign based on ACMG/AMP sequence variant interpretation guidelines (Richards et al. 2015 PMID: 25741868, with internal and published modifications).

Labcorp Genetics (formerly Invitae), Labcorp
Classification: Likely benign. Last evaluated: 2025-03-10. Review status: criteria provided, single submitter. Criteria: Invitae Variant Classification Sherloc (09022015). Collection method: clinical testing. Allele origin: germline.